The following is an entry in ClinVar:

ClinVar aggregate classification (germline): Likely benign. Review status: criteria provided, multiple submitters, no conflicts (2 of 4 stars). 2 submissions from 2 submitters: Likely benign (2). Last evaluated 2026-06-23.

gnomAD v4.1: 228 of 1,551,530 alleles (0.015%); highest among the groups gnomAD compares: Non-Finnish European, 0.004%; no homozygotes.

Submissions (2):

Women's Health and Genetics/Laboratory Corporation of America, LabCorp
Classification: Likely benign. Last evaluated: 2026-06-23. Review status: criteria provided, single submitter. Criteria: LabCorp Variant Classification Summary - May 2015. Collection method: clinical testing. Allele origin: germline.
Comment: Variant summary: RASGRP2 c.1414G>A (p.Asp472Asn) results in a conservative amino acid change in the encoded protein sequence. Algorithms developed to predict the effect of missense changes on protein structure and function are either unavailable or do not agree on the potential impact of this missense change. Consensus agreement among computation tools predict no significant impact on normal splicing. However, these predictions have yet to be confirmed by functional studies. The variant allele was found at a frequency of 0.00015 in 1551530 control chromosomes, predominantly at a frequency of 0.0027 within the Finnish subpopulation in the gnomAD database. The observed variant frequency within Finnish control individuals in the gnomAD database exceeds the estimated maximal expected allele frequency for disease-causing variants in RASGRP2. To our knowledge, no occurrence of c.1414G>A in individuals affected with RASGRP2-related conditions and no experimental evidence demonstrating its impact on protein function have been reported. ClinVar contains an entry for this variant (Variation ID: 4705912). Based on the evidence outlined above, the variant was classified as likely benign.

Labcorp Genetics (formerly Invitae), Labcorp
Classification: Likely benign. Last evaluated: 2025-12-05. Review status: criteria provided, single submitter. Criteria: Invitae Variant Classification Sherloc (09022015). Collection method: clinical testing. Allele origin: germline.

NM_001098671.2(RASGRP2):c.1414G>A (p.Asp472Asn)

Gene: RASGRP2 (RAS guanyl releasing protein 2; minus strand). Cytogenetic location: 11q13.1.
Variant type: single nucleotide variant.
Coding change: c.1414G>A on transcript NM_001098671.2 (MANE Select); coding-DNA position 1414, G replaced by A.
Protein change: p.Asp472Asn; replaces aspartic acid 472 with asparagine.
Molecular consequence: missense variant.
Genome position (GRCh38, 1-based): chr11:64,730,193, C>T on the plus strand (G>A on the coding strand, the complement: RASGRP2 is on the minus strand). VCF-style: chr11-64730193-C-T. GRCh37 (hg19) VCF-style: chr11-64497665-C-T.
Other names: c.1414G>A, p.Asp472Asn (NM_001440698.1, NM_001440699.1, NM_153819.2 and 9 more transcripts); c.1411G>A, p.Asp471Asn (NM_001440700.1, NM_001440701.1, NM_001440702.1); c.1501G>A, p.Asp501Asn (NM_001440703.1, NM_001440704.1); c.1498G>A, p.Asp500Asn (NM_001440705.1); c.979G>A, p.Asp327Asn (NM_001318398.2); short protein forms D500N, D471N, D472N, D501N, D327N.
Identifiers: ClinVar variation 4705912 (VCV004705912.2).